The following is an entry in ClinVar:

NM_001170629.2(CHD8):c.1275T>G (p.Ser425Arg)

Gene: CHD8 (chromodomain helicase DNA binding protein 8; minus strand). Cytogenetic location: 14q11.2.
Variant type: single nucleotide variant.
Coding change: c.1275T>G on transcript NM_001170629.2 (MANE Select); coding-DNA position 1275, T replaced by G.
Protein change: p.Ser425Arg; replaces serine 425 with arginine.
Molecular consequence: missense variant.
Genome position (GRCh38, 1-based): chr14:21,428,195, A>C on the plus strand (T>G on the coding strand, the complement: CHD8 is on the minus strand). VCF-style: chr14-21428195-A-C. GRCh37 (hg19) VCF-style: chr14-21896354-A-C.
Other names: c.438T>G, p.Ser146Arg (NM_020920.4); short protein forms S146R, S425R.
Identifiers: ClinVar variation 1326476 (VCV001326476.2), dbSNP rs2139532120, ClinGen allele CA388883743.

ClinVar aggregate classification (germline): Uncertain significance (1 of 4 stars; one submission).

Submission:

GeneDx
Classification: Uncertain significance. Last evaluated: 2021-05-24. Review status: criteria provided, single submitter. Criteria: GeneDx Variant Classification Process June 2021. Collection method: clinical testing. Allele origin: germline. Affected: yes.
Comment: Not observed at significant frequency in large population cohorts (Lek et al., 2016); In silico analysis supports that this missense variant does not alter protein structure/function; Has not been previously published as pathogenic or benign to our knowledge